The following is an entry in ClinVar:

ClinVar aggregate classification (germline): Uncertain significance (1 of 4 stars; one submission).

gnomAD v4.1: 9 of 1,550,134 alleles (0.00058%); highest among the groups gnomAD compares: African/African-American, 0.012%; no homozygotes.

Submission:

Women's Health and Genetics/Laboratory Corporation of America, LabCorp
Classification: Uncertain significance. Last evaluated: 2026-04-20. Review status: criteria provided, single submitter. Criteria: LabCorp Variant Classification Summary - May 2015. Collection method: clinical testing. Allele origin: germline.
Comment: Variant summary: ZNF469 c.*1T>G is located in the untranslated mRNA region downstream of the termination codon. The variant was absent in 150170 control chromosomes. The available data on variant occurrences in the general population are insufficient to allow any conclusion about variant significance. To our knowledge, no occurrence of c.*1T>G in individuals affected with ZNF469-related conditions and no experimental evidence demonstrating its impact on protein function have been reported. No submitters have cited clinical-significance assessments for this variant to ClinVar. Based on the evidence outlined above, the variant was classified as uncertain significance.

NM_001367624.2(ZNF469):c.*1T>G

Gene: ZNF469 (zinc finger protein 469; plus strand). Cytogenetic location: 16q24.2.
Variant type: single nucleotide variant.
Coding change: c.*1T>G on transcript NM_001367624.2 (MANE Select); 1 bases downstream of the stop codon, T replaced by G.
Molecular consequence: 3 prime UTR variant.
Genome position (GRCh38, 1-based): chr16:88,439,333, T>G. VCF-style: chr16-88439333-T-G. GRCh37 (hg19) VCF-style: chr16-88505741-T-G.
Identifiers: ClinVar variation 4848394 (VCV004848394.1).
Genomic context (GRCh38, chr16:88,439,333, plus strand): 5'-CTCTTCGGGCAGAGACTAACTGGCTTCAAAATCCCTTTAAAGAAAGATGCTTCCGAGTAA[T>G]TTCTAGGAGCAAGAGCCTGGGACCGGAGCTGGGCGTTCCTGTCTCGGCCTGCCTCCTTGG-3'